The following is an entry in ClinVar:

NM_057175.5(NAA15):c.219G>C (p.Leu73Phe)

Gene: NAA15 (N-alpha-acetyltransferase 15, NatA auxiliary subunit; plus strand). Cytogenetic location: 4q31.1.
Variant type: single nucleotide variant.
Coding change: c.219G>C on transcript NM_057175.5 (MANE Select); coding-DNA position 219, G replaced by C.
Protein change: p.Leu73Phe; replaces leucine 73 with phenylalanine.
Molecular consequence: missense variant.
Genome position (GRCh38, 1-based): chr4:139,336,927, G>C. VCF-style: chr4-139336927-G-C. GRCh37 (hg19) VCF-style: chr4-140258081-G-C.
Other names: c.219G>C, p.Leu73Phe (NM_001410842.1); short protein forms L73F.
Identifiers: ClinVar variation 3916862 (VCV003916862.2).

ClinVar aggregate classification (germline): Uncertain significance (1 of 4 stars; one submission).

Conditions:
Inborn genetic diseases. Identifiers: MedGen C0950123, MeSH D030342.

Submission:

Ambry Genetics
Classification: Uncertain significance for Inborn genetic diseases. Last evaluated: 2025-08-11. Review status: criteria provided, single submitter. Criteria: Ambry Variant Classification Scheme 2023. Collection method: clinical testing. Allele origin: germline.
Comment: The c.219G>C (p.L73F) alteration is located in exon 3 (coding exon 3) of the NAA15 gene. This alteration results from a G to C substitution at nucleotide position 219, causing the leucine (L) at amino acid position 73 to be replaced by a phenylalanine (F). This variant was not reported in population-based cohorts in the Genome Aggregation Database (gnomAD). This amino acid position is highly conserved in available vertebrate species. This missense alteration is located in a region that has a low rate of benign missense variation (Lek, 2016; Firth, 2009). This alteration is predicted to be deleterious by in silico analysis. Based on insufficient or conflicting evidence, the clinical significance of this alteration remains unclear.